The following is an entry in ClinVar:

NM_000257.4(MYH7):c.2224G>A (p.Ala742Thr)

Gene: MYH7 (myosin heavy chain 7; minus strand). Cytogenetic location: 14q11.2.
Variant type: single nucleotide variant.
Coding change: c.2224G>A on transcript NM_000257.4 (MANE Select); coding-DNA position 2224, G replaced by A.
Protein change: p.Ala742Thr; replaces alanine 742 with threonine.
Molecular consequence: missense variant.
Genome position (GRCh38, 1-based): chr14:23,425,757, C>T on the plus strand (G>A on the coding strand, the complement: MYH7 is on the minus strand). VCF-style: chr14-23425757-C-T. GRCh37 (hg19) VCF-style: chr14-23894966-C-T.
Other names: c.2224G>A (NM_000257.2); short protein forms A742T.
Identifiers: ClinVar variation 524993 (VCV000524993.21), dbSNP rs769396106, ClinGen allele CA031805.
Genomic context (GRCh38, chr14:23,425,757, plus strand): 5'-TGGTGTGGCCAAACTTGTACTGGTTGTGATCAATGTCCAGGGAGCTGAGCAGCTTCTCTG[C>T]CCCCTTCCTGCTATCAATGAACTGTCCCTCAGGGATGGCCGCTGGGTTCAGGATGCGATA-3'
Protein context (NP_000248.2, residues 732-752): EGQFIDSRKG[Ala742Thr]EKLLSSLDID

ClinVar aggregate classification (germline): Uncertain significance. Review status: criteria provided, multiple submitters, no conflicts (2 of 4 stars). 8 submissions from 8 submitters: Uncertain significance (8). Last evaluated 2026-02-02.

Conditions:
Cardiovascular phenotype. Identifiers: MedGen CN230736.
Hypertrophic cardiomyopathy 1 (CMH1). Also called: MYH7-Related Familial Hypertrophic Cardiomyopathy; Familial hypertrophic cardiomyopathy 1. Identifiers: MedGen C3495498, MONDO:0008647, OMIM 192600.
Congenital myopathy with fiber type disproportion. Also called: Congenital fiber-type disproportion; Congenital fiber-type disproportion myopathy. Identifiers: Orphanet 2020, MedGen C0546264, MONDO:0009711. Inheritance: all.
Dilated cardiomyopathy 1S (CMD1S). Identifiers: Orphanet 154, Orphanet 54260, MedGen C1834481, MONDO:0013262, OMIM 613426.
MYH7-related skeletal myopathy. Also called: Myopathy, distal, 1; Laing distal myopathy; MYOPATHY, DISTAL, EARLY-ONSET, AUTOSOMAL DOMINANT; MYOPATHY, LATE DISTAL HEREDITARY; Laing early-onset distal myopathy. Identifiers: Orphanet 59135, MedGen C4552004, MONDO:0008050, OMIM 160500.
Myopathy, myosin storage, autosomal recessive (CMYO7B). Also called: CONGENITAL MYOPATHY 7B, MYOSIN STORAGE, AUTOSOMAL RECESSIVE. Identifiers: Orphanet 636970, MedGen C1850709, MONDO:0009708, OMIM 255160.
Myosin storage myopathy (CMYO7A). Also called: SCAPULOPERONEAL MUSCULAR DYSTROPHY; SCAPULOPERONEAL SYNDROME, MYOPATHIC TYPE; Scapuloperoneal myopathy, MYH7-related; MYOPATHY WITH LYSIS OF TYPE I MYOFIBRILS; MYH7-related late-onset scapuloperoneal muscular dystrophy; Congenital myopathy 7A, myosin storage, autosomal dominant. Identifiers: Orphanet 437572, Orphanet 636965, MedGen C1842160, MONDO:0008409, OMIM 608358.
Cardiomyopathy (CMYO). Also called: Cardiomyopathies. Identifiers: Orphanet 167848, MedGen C0878544, MONDO:0004994, HP:0001638. Inheritance: Various modes of inheritance.
Hypertrophic cardiomyopathy. Also called: HYPERTROPHIC MYOCARDIOPATHY. Identifiers: Orphanet 217569, MedGen C0007194, MeSH D002312, MONDO:0005045, HP:0001639.

Allele frequency attached by ClinVar (database versions not stated): gnomAD exomes below 0.00001 and 0.00001; TOPMed below 0.00001; ExAC 0.00001.
gnomAD v4.1: 7 of 1,613,996 alleles (0.00043%); highest among the groups gnomAD compares: Middle Eastern, 0.017%; no homozygotes.

Submissions (8):

Clinical Genomics Laboratory, Washington University in St. Louis
Classification: Uncertain significance for Hypertrophic cardiomyopathy 1; Dilated cardiomyopathy 1S. Last evaluated: 2026-02-02. Review status: criteria provided, single submitter. Criteria: ACMG Guidelines, 2015. Collection method: clinical testing. Allele origin: germline.
Comment: An MYH7 c.2224G>A (p.Ala742Thr) variant was identified in a heterozygous state. This variant has been identified in the literature in one case of unexplained intrauterine fetal death (Muin DA et al., PMID: 33762593) and in hypertrophic cardiomyopathy (Miller RJH et al., PMID: 31199839). It is only observed on 1/251,178 alleles in the general population (gnomAD v2.1.1), indicating it is not a common variant. The MYH7 c.2224G>A (p.Ala742Thr) variant has been reported in the ClinVar database as a variant of uncertain significance by seven submitters. Computational predictors are uncertain as to the impact of this variant on MYH7 function. Due to limited information, and based on ACMG/AMP guidelines for variant interpretation (Richards S et al., PMID: 25741868) and gene specific practices from the ClinGen specification registry (Kelly MA et al., PMID: 29300372), the clinical significance of this variant is uncertain at this time.

Color Diagnostics, LLC DBA Color Health
Classification: Uncertain significance for Cardiomyopathy. Last evaluated: 2025-11-26. Review status: criteria provided, single submitter. Criteria: ACMG Guidelines, 2015. Collection method: clinical testing. Allele origin: germline.
Comment: This missense variant replaces alanine with threonine at codon 742 of the MYH7 protein. Computational prediction suggests that this variant may not impact protein structure and function. To our knowledge, functional studies have not been reported for this variant. This variant has been reported in a case of interuterine fetal death (PMID: 33782593). This variant has been identified in 7/1613996 chromosomes in the general population by the Genome Aggregation Database (gnomAD). The available evidence is insufficient to determine the role of this variant in disease conclusively. Therefore, this variant is classified as a Variant of Uncertain Significance.

Labcorp Genetics (formerly Invitae), Labcorp
Classification: Uncertain significance for Hypertrophic cardiomyopathy. Last evaluated: 2025-10-02. Review status: criteria provided, single submitter. Criteria: Invitae Variant Classification Sherloc (09022015). Collection method: clinical testing. Allele origin: germline.
Comment: This sequence change replaces alanine, which is neutral and non-polar, with threonine, which is neutral and polar, at codon 742 of the MYH7 protein (p.Ala742Thr). This variant is present in population databases (rs769396106, gnomAD 0.006%). This variant has not been reported in the literature in individuals affected with MYH7-related conditions. ClinVar contains an entry for this variant (Variation ID: 524993). Invitae Evidence Modeling of protein sequence and biophysical properties (such as structural, functional, and spatial information, amino acid conservation, physicochemical variation, residue mobility, and thermodynamic stability) indicates that this missense variant is not expected to disrupt MYH7 protein function with a negative predictive value of 95%. In summary, the available evidence is currently insufficient to determine the role of this variant in disease. Therefore, it has been classified as a Variant of Uncertain Significance.

Ambry Genetics
Classification: Uncertain significance for Cardiovascular phenotype. Last evaluated: 2025-06-23. Review status: criteria provided, single submitter. Criteria: Ambry Variant Classification Scheme 2023. Collection method: clinical testing. Allele origin: germline.
Comment: The p.A742T variant (also known as c.2224G>A), located in coding exon 18 of the MYH7 gene, results from a G to A substitution at nucleotide position 2224. The alanine at codon 742 is replaced by threonine, an amino acid with similar properties. This variant has been reported in a hypertrophic cardiomyopathy (HCM) cohort and an unexplained intrauterine fetal death cohort (Muin DA et al. Sci Rep, 2021 Mar;11:6737; Miller RJH et al. PLoS One, 2019 Jun;14:e0217612). This alteration is located in the myosin head domain, which contains a statistically significant clustering of pathogenic missense variants (Homburger JR et al. Proc Natl Acad Sci U S A, 2016 06;113:6701-6; Walsh R et al. Genet Med, 2017 02;19:192-203; Ambry internal data). This amino acid position is well conserved in available vertebrate species. However, this alteration is predicted to be tolerated by in silico analysis. Based on the available evidence, the clinical significance of this variant remains unclear.

All of Us Research Program, National Institutes of Health
Classification: Uncertain significance for Cardiomyopathy. Last evaluated: 2024-06-17. Review status: criteria provided, single submitter. Criteria: ACMG Guidelines, 2015. Collection method: clinical testing. Allele origin: germline. Inheritance: Autosomal dominant inheritance. Observed: 3 variant alleles, 3 heterozygotes.
Comment: This missense variant replaces alanine with threonine at codon 742 of the MYH7 protein. Computational prediction suggests that this variant may not impact protein structure and function (internally defined REVEL score threshold <= 0.5, PMID: 27666373). To our knowledge, functional studies have not been reported for this variant. This variant has been reported in a case of interuterine fetal death (PMID: 33782593). This variant has been identified in 1/251178 chromosomes in the general population by the Genome Aggregation Database (gnomAD). The available evidence is insufficient to determine the role of this variant in disease conclusively. Therefore, this variant is classified as a Variant of Uncertain Significance.

This study involves interpretation of variants in research participants for the purpose of population health screening. Participant phenotype was not available at the time of variant classification. Additional details can be found in publication PMID: 35346344, PMCID: PMC8962531

GeneDx
Classification: Uncertain significance. Last evaluated: 2024-01-14. Review status: criteria provided, single submitter. Criteria: GeneDx Variant Classification Process June 2021. Collection method: clinical testing. Allele origin: germline. Affected: yes.
Comment: Identified in a cohort of patients with hypertrophic cardiomyopathy (HCM) in published literature (PMID: 31199839); however, the number of probands harboring this variant were not reported, and no segregation studies were described.; Identified in a post-mortem sample from a fetus after unexplained intrauterine fetal death in published literature (PMID: 33762593); Not observed at significant frequency in large population cohorts (gnomAD); In silico analysis supports that this missense variant does not alter protein structure/function; This variant is associated with the following publications: (PMID: 27532257, 29300372, 33762593, 31199839)

Fulgent Genetics
Classification: Uncertain significance for MYH7-related skeletal myopathy; Myosin storage myopathy; Hypertrophic cardiomyopathy 1; Myopathy, myosin storage, autosomal recessive; Congenital myopathy 4A, autosomal dominant; Dilated cardiomyopathy 1S. Last evaluated: 2021-12-02. Review status: criteria provided, single submitter. Criteria: ACMG Guidelines, 2015. Collection method: clinical testing. Allele origin: unknown.

Revvity Omics, Revvity
Classification: Uncertain significance. Last evaluated: 2019-10-09. Review status: criteria provided, single submitter. Criteria: ACMG Guidelines, 2015. Collection method: clinical testing. Allele origin: germline.

Literature cited by the submitters: uncertain (cited by Clinical Genomics Laboratory, Washington University in St. Louis); PubMed 33782593 (cited by Color Diagnostics, LLC DBA Color Health and All of Us Research Program, National Institutes of Health); PubMed 31199839 (cited by Ambry Genetics); PubMed 33762593 (cited by Ambry Genetics).